The following is an entry in ClinVar:

ClinVar aggregate classification (germline): Uncertain significance. Review status: criteria provided, multiple submitters, no conflicts (2 of 4 stars). 2 submissions from 2 submitters: Uncertain significance (2). Last evaluated 2025-04-16.

Conditions:
Inborn genetic diseases. Identifiers: MedGen C0950123, MeSH D030342.
Joubert syndrome. Also called: CEREBELLOPARENCHYMAL DISORDER IV; JOUBERT-BOLTSHAUSER SYNDROME; Familial aplasia of the vermis. Identifiers: Orphanet 475, MedGen C5979921, MONDO:0018772.
Meckel-Gruber syndrome. Also called: DYSENCEPHALIA SPLANCHNOCYSTICA; GRUBER SYNDROME; Dysencephalia splachnocystica. Identifiers: Orphanet 564, MedGen C0265215, MONDO:0018921.

Allele frequency attached by ClinVar (database versions not stated): ExAC 0.00008; gnomAD exomes 0.00011 and 0.00004; TOPMed 0.00003.
gnomAD v4.1: 26 of 1,614,196 alleles (0.0016%); highest among the groups gnomAD compares: Admixed American, 0.043%; no homozygotes.

Submissions (2):

Labcorp Genetics (formerly Invitae), Labcorp
Classification: Uncertain significance for Joubert syndrome; Meckel-Gruber syndrome. Last evaluated: 2025-04-16. Review status: criteria provided, single submitter. Criteria: Invitae Variant Classification Sherloc (09022015). Collection method: clinical testing. Allele origin: germline.
Comment: This sequence change replaces serine, which is neutral and polar, with phenylalanine, which is neutral and non-polar, at codon 541 of the TCTN1 protein (p.Ser541Phe). This variant is present in population databases (rs752953090, gnomAD 0.07%). This variant has not been reported in the literature in individuals affected with TCTN1-related conditions. ClinVar contains an entry for this variant (Variation ID: 1371547). Invitae Evidence Modeling of protein sequence and biophysical properties (such as structural, functional, and spatial information, amino acid conservation, physicochemical variation, residue mobility, and thermodynamic stability) indicates that this missense variant is expected to disrupt TCTN1 protein function with a positive predictive value of 80%. Algorithms developed to predict the effect of sequence changes on RNA splicing suggest that this variant may create or strengthen a splice site. In summary, the available evidence is currently insufficient to determine the role of this variant in disease. Therefore, it has been classified as a Variant of Uncertain Significance.

Ambry Genetics
Classification: Uncertain significance for Inborn genetic diseases. Last evaluated: 2021-05-25. Review status: criteria provided, single submitter. Criteria: Ambry Variant Classification Scheme 2023. Collection method: clinical testing. Allele origin: germline.

NM_001082538.3(TCTN1):c.1622C>T (p.Ser541Phe)

Gene: TCTN1 (tectonic family member 1; plus strand). Cytogenetic location: 12q24.11.
Variant type: single nucleotide variant.
Coding change: c.1622C>T on transcript NM_001082538.3 (MANE Select); coding-DNA position 1622, C replaced by T.
Protein change: p.Ser541Phe; replaces serine 541 with phenylalanine.
Molecular consequence: missense variant. On other transcripts: non-coding transcript variant (1).
Genome position (GRCh38, 1-based): chr12:110,647,323, C>T. VCF-style: chr12-110647323-C-T. GRCh37 (hg19) VCF-style: chr12-111085128-C-T.
Other names: c.1607C>T, p.Ser536Phe (NM_001082537.3); c.1439C>T, p.Ser480Phe (NM_001173975.3); c.1295C>T, p.Ser432Phe (NM_001173976.2); c.1460C>T, p.Ser487Phe (NM_001319680.2); c.1073C>T, p.Ser358Phe (NM_001319681.2); c.1565C>T, p.Ser522Phe (NM_024549.6); c.1622C>T (NM_001082538.2); short protein forms S358F, S487F, S541F, S432F, S480F, S522F, S536F.
Identifiers: ClinVar variation 1371547 (VCV001371547.5), dbSNP rs752953090, ClinGen allele CA6786929.